The following is an entry in ClinVar:

NM_000069.3(CACNA1S):c.4148A>G (p.Asn1383Ser)

Gene: CACNA1S (calcium voltage-gated channel subunit alpha1 S; minus strand). Cytogenetic location: 1q32.1.
Variant type: single nucleotide variant.
Coding change: c.4148A>G on transcript NM_000069.3 (MANE Select); coding-DNA position 4148, A replaced by G.
Protein change: p.Asn1383Ser; replaces asparagine 1383 with serine.
Molecular consequence: missense variant.
Genome position (GRCh38, 1-based): chr1:201,050,482, T>C on the plus strand (A>G on the coding strand, the complement: CACNA1S is on the minus strand). VCF-style: chr1-201050482-T-C. GRCh37 (hg19) VCF-style: chr1-201019610-T-C.
Other names: short protein forms N1383S.
Identifiers: ClinVar variation 2413748 (VCV002413748.7), dbSNP rs748210869, ClinGen allele CA083123.

ClinVar aggregate classification (germline): Uncertain significance (1 of 4 stars; one submission).

Conditions:
Malignant hyperthermia, susceptibility to, 5 (MHS5). Also called: CACNA1S-Related Malignant Hyperthermia Susceptibility. Identifiers: Orphanet 423, MedGen C1866077, MONDO:0011163, OMIM 601887.
Hypokalemic periodic paralysis, type 1. Also called: HypoPP; Hypokalemic Periodic Paralysis Type 1 (AD). Identifiers: Orphanet 681, MedGen C3714580, MONDO:0042979, OMIM 170400.

Allele frequency attached by ClinVar (database versions not stated): TOPMed below 0.00001; ExAC 0.00001; gnomAD exomes 0.00002.
gnomAD v4.1: 25 of 1,613,948 alleles (0.0015%); highest among the groups gnomAD compares: South Asian, 0.0022%; no homozygotes.

Submission:

Labcorp Genetics (formerly Invitae), Labcorp
Classification: Uncertain significance for Hypokalemic periodic paralysis, type 1; Malignant hyperthermia, susceptibility to, 5. Last evaluated: 2024-01-12. Review status: criteria provided, single submitter. Criteria: Invitae Variant Classification Sherloc (09022015). Collection method: clinical testing. Allele origin: germline.
Comment: This sequence change replaces asparagine, which is neutral and polar, with serine, which is neutral and polar, at codon 1383 of the CACNA1S protein (p.Asn1383Ser). This variant is present in population databases (rs748210869, gnomAD 0.007%). This variant has not been reported in the literature in individuals affected with CACNA1S-related conditions. ClinVar contains an entry for this variant (Variation ID: 2413748). Advanced modeling of protein sequence and biophysical properties (such as structural, functional, and spatial information, amino acid conservation, physicochemical variation, residue mobility, and thermodynamic stability) performed at Invitae indicates that this missense variant is expected to disrupt CACNA1S protein function with a positive predictive value of 80%. In summary, the available evidence is currently insufficient to determine the role of this variant in disease. Therefore, it has been classified as a Variant of Uncertain Significance.